The following is an entry in ClinVar:

ClinVar aggregate classification (germline): Uncertain significance (1 of 4 stars; one submission).

Allele frequency attached by ClinVar (database versions not stated): gnomAD exomes below 0.00001.
gnomAD v4.1: 3 of 1,614,050 alleles (0.00019%); highest among the groups gnomAD compares: Non-Finnish European, 0.00017%; no homozygotes.

Submission:

GeneDx
Classification: Uncertain significance. Last evaluated: 2021-11-19. Review status: criteria provided, single submitter. Criteria: GeneDx Variant Classification Process June 2021. Collection method: clinical testing. Allele origin: germline. Affected: yes.
Comment: Not observed in large population cohorts (Lek et al., 2016); In silico analysis, which includes protein predictors and evolutionary conservation, supports that this variant does not alter protein structure/function; Has not been previously published as pathogenic or benign to our knowledge

NM_004369.4(COL6A3):c.8834T>A (p.Val2945Glu)

Gene: COL6A3 (collagen type VI alpha 3 chain; minus strand). Cytogenetic location: 2q37.3.
Variant type: single nucleotide variant.
Coding change: c.8834T>A on transcript NM_004369.4 (MANE Select); coding-DNA position 8834, T replaced by A.
Protein change: p.Val2945Glu; replaces valine 2945 with glutamic acid.
Molecular consequence: missense variant.
Genome position (GRCh38, 1-based): chr2:237,336,266, A>T on the plus strand (T>A on the coding strand, the complement: COL6A3 is on the minus strand). VCF-style: chr2-237336266-A-T. GRCh37 (hg19) VCF-style: chr2-238244909-A-T.
Other names: c.7013T>A, p.Val2338Glu (NM_057166.5); c.8216T>A, p.Val2739Glu (NM_057167.4); short protein forms V2338E, V2739E, V2945E.
Identifiers: ClinVar variation 1306997 (VCV001306997.3), dbSNP rs2106314327, ClinGen allele CA351191313.